The following is an entry in ClinVar:

NM_000092.5(COL4A4):c.103T>C (p.Tyr35His)

Gene: COL4A4 (collagen type IV alpha 4 chain; minus strand). Cytogenetic location: 2q36.3.
Variant type: single nucleotide variant.
Coding change: c.103T>C on transcript NM_000092.5 (MANE Select); coding-DNA position 103, T replaced by C.
Protein change: p.Tyr35His; replaces tyrosine 35 with histidine.
Molecular consequence: missense variant.
Genome position (GRCh38, 1-based): chr2:227,144,527, A>G on the plus strand (T>C on the coding strand, the complement: COL4A4 is on the minus strand). VCF-style: chr2-227144527-A-G. GRCh37 (hg19) VCF-style: chr2-228009243-A-G.
Other names: short protein forms Y35H.
Identifiers: ClinVar variation 1702796 (VCV001702796.2), dbSNP rs2063418861, ClinGen allele CA350842667.

ClinVar aggregate classification (germline): Uncertain significance (1 of 4 stars; one submission).

Allele frequency attached by ClinVar (database versions not stated): gnomAD exomes below 0.00001; TOPMed below 0.00001.
gnomAD v4.1: 4 of 1,610,202 alleles (0.00025%); highest among the groups gnomAD compares: Non-Finnish European, 0.000085%; no homozygotes.

Submission:

GeneDx
Classification: Uncertain significance. Last evaluated: 2022-02-17. Review status: criteria provided, single submitter. Criteria: GeneDx Variant Classification Process June 2021. Collection method: clinical testing. Allele origin: germline. Affected: yes.
Comment: Not observed at significant frequency in large population cohorts (gnomAD); In silico analysis supports that this missense variant does not alter protein structure/function; Has not been previously published as pathogenic or benign to our knowledge